The following is an entry in ClinVar:

ClinVar aggregate classification (germline): Conflicting classifications of pathogenicity. Review status: criteria provided, conflicting classifications (1 of 4 stars). 2 submissions from 2 submitters: Uncertain significance (1); Likely benign (1). Last evaluated 2026-01-13.

Conditions:
Usher syndrome type 3B. Also called: USHER SYNDROME, TYPE IIIB. Identifiers: MedGen C3281066, MONDO:0013788, OMIM 614504.

Allele frequency attached by ClinVar (database versions not stated): gnomAD 0.00001; gnomAD exomes 0.00001; ExAC 0.00003; TOPMed 0.00003.
gnomAD v4.1: 4 of 1,613,832 alleles (0.00025%); highest among the groups gnomAD compares: East Asian, 0.0089%; no homozygotes.

Submissions (2):

Labcorp Genetics (formerly Invitae), Labcorp
Classification: Uncertain significance for Usher syndrome type 3B. Last evaluated: 2026-01-13. Review status: criteria provided, single submitter. Criteria: Invitae Variant Classification Sherloc (09022015). Collection method: clinical testing. Allele origin: germline.
Comment: This sequence change replaces methionine, which is neutral and non-polar, with isoleucine, which is neutral and non-polar, at codon 70 of the HARS protein (p.Met70Ile). This variant is present in population databases (rs763952844, gnomAD 0.03%). This variant has not been reported in the literature in individuals affected with HARS-related conditions. ClinVar contains an entry for this variant (Variation ID: 2528628). Invitae Evidence Modeling of protein sequence and biophysical properties (such as structural, functional, and spatial information, amino acid conservation, physicochemical variation, residue mobility, and thermodynamic stability) indicates that this missense variant is not expected to disrupt HARS protein function with a negative predictive value of 80%. In summary, the available evidence is currently insufficient to determine the role of this variant in disease. Therefore, it has been classified as a Variant of Uncertain Significance.

Ambry Genetics
Classification: Likely benign. Last evaluated: 2023-03-23. Review status: criteria provided, single submitter. Criteria: Ambry Variant Classification Scheme 2023. Collection method: clinical testing. Allele origin: germline.

NM_002109.6(HARS1):c.210G>A (p.Met70Ile)

Gene: HARS1 (histidyl-tRNA synthetase 1; minus strand). Cytogenetic location: 5q31.3.
Variant type: single nucleotide variant.
Coding change: c.210G>A on transcript NM_002109.6 (MANE Select); coding-DNA position 210, G replaced by A.
Protein change: p.Met70Ile; replaces methionine 70 with isoleucine.
Molecular consequence: missense variant. On other transcripts: intron variant (3).
Genome position (GRCh38, 1-based): chr5:140,683,190, C>T on the plus strand (G>A on the coding strand, the complement: HARS1 is on the minus strand). VCF-style: chr5-140683190-C-T. GRCh37 (hg19) VCF-style: chr5-140062775-C-T.
Other names: c.210G>A, p.Met70Ile (NM_001258041.3, NM_001289092.2); c.123G>A, p.Met41Ile (NM_001289094.2); c.181-5175G>A (NM_001289093.2); c.181-3307G>A (NM_001258042.3, NM_001258040.3); short protein forms M41I, M70I.
Identifiers: ClinVar variation 2528628 (VCV002528628.4), dbSNP rs763952844, ClinGen allele CA3444165.
Genomic context (GRCh38, chr5:140,683,190, plus strand): 5'-TTCTGCACCGTGGCGCTTGAAGCAACGGATGATTACGTCAAACACCTTCTCGCGAACTGC[C>T]ATCTGCCGGGGACTATAGTCTCTTGTGCCCTTGGAGTTGAAATCAGCCAGAGAACCAGAA-3'
Protein context (NP_002100.2, residues 60-80): KGTRDYSPRQ[Met70Ile]AVREKVFDVI